The following is an entry in ClinVar:

NM_001184880.2(PCDH19):c.1305del (p.Ser435fs)

Gene: PCDH19 (protocadherin 19; minus strand). Cytogenetic location: Xq22.1.
Variant type: Deletion.
Coding change: c.1305del on transcript NM_001184880.2 (MANE Select); coding-DNA position 1305, one base deleted (T; older notation c.1305delT).
Protein change: p.Ser435fs; shifts the reading frame from serine 435.
Molecular consequence: frameshift variant.
Genome position (GRCh38, 1-based): chrX:100,407,293, A deleted on the plus strand (T on the coding strand, the reverse complement: PCDH19 is on the minus strand). VCF-style (leftmost placement, unchanged base first): chrX-100407292-CA-C. GRCh37 (hg19) VCF-style: chrX-99662290-CA-C.
Other names: c.1305del, p.Ser435fs (NM_001105243.2, NM_020766.3); short protein forms S435fs.
Identifiers: ClinVar variation 3661941 (VCV003661941.2).

ClinVar aggregate classification (germline): Pathogenic (1 of 4 stars; one submission).

Conditions:
Developmental and epileptic encephalopathy, 9 (DEE9). Also called: Early infantile epileptic encephalopathy 9; JUBERG-HELLMAN SYNDROME; PCDH19-Related X-Linked Female-Limited Epilepsy with Mental Retardation; EPILEPSY, FEMALE-RESTRICTED, WITH MENTAL RETARDATION. Identifiers: Orphanet 101039, Orphanet 2076, MedGen C1848137, MONDO:0010246, OMIM 300088. Disease mechanism: loss of function.

Submission:

Labcorp Genetics (formerly Invitae), Labcorp
Classification: Pathogenic for Developmental and epileptic encephalopathy, 9. Last evaluated: 2024-08-11. Review status: criteria provided, single submitter. Criteria: Invitae Variant Classification Sherloc (09022015). Collection method: clinical testing. Allele origin: germline.
Comment: This sequence change creates a premature translational stop signal (p.Ser435Argfs*134) in the PCDH19 gene. It is expected to result in an absent or disrupted protein product. Loss-of-function variants in PCDH19 are known to be pathogenic (PMID: 21053371). This variant is not present in population databases (gnomAD no frequency). This variant has not been reported in the literature in individuals affected with PCDH19-related conditions. For these reasons, this variant has been classified as Pathogenic.

Literature cited by the submitters: PubMed 21053371.